The following is an entry in ClinVar:

NM_004260.4(RECQL4):c.3394-1G>A

Gene: RECQL4 (RecQ like helicase 4; minus strand). Cytogenetic location: 8q24.3.
Variant type: single nucleotide variant.
Coding change: c.3394-1G>A on transcript NM_004260.4 (MANE Select); the canonical splice acceptor site of the intron before coding-DNA position 3394, G replaced by A.
Molecular consequence: splice acceptor variant.
Genome position (GRCh38, 1-based): chr8:144,511,790, C>T on the plus strand (G>A on the coding strand, the complement: RECQL4 is on the minus strand). VCF-style: chr8-144511790-C-T. GRCh37 (hg19) VCF-style: chr8-145737173-C-T.
Other names: c.3265-1G>A (NM_001413025.1); c.3043-1G>A (NM_001413029.1); c.2257-1G>A (NM_001413032.1, NM_001413027.1, NM_001413030.1); c.2323-1G>A (NM_001413035.1, NM_001413040.1, NM_001413021.1 and 4 more transcripts); c.3100-1G>A (NM_001413017.1); c.3298-1G>A (NM_001413020.1); c.3364-1G>A (NM_001413039.1); c.3262-1G>A (NM_001413033.1); and 9 more.
Identifiers: ClinVar variation 864618 (VCV000864618.9), dbSNP rs752301125, ClinGen allele CA372667681.

ClinVar aggregate classification (germline): Likely pathogenic. Review status: criteria provided, multiple submitters, no conflicts (2 of 4 stars). 2 submissions from 2 submitters: Likely pathogenic (2). Last evaluated 2023-08-11.

Conditions:
Baller-Gerold syndrome (BGS). Also called: CRANIOSYNOSTOSIS WITH RADIAL DEFECTS. Identifiers: Orphanet 1225, MedGen C0265308, MONDO:0009039, OMIM 218600.
Rapadilino syndrome. Identifiers: Orphanet 3021, MedGen C1849453, MONDO:0009955, OMIM 266280.
Rothmund-Thomson syndrome type 2 (RTS2). Identifiers: Orphanet 221016, MedGen C5203410, MONDO:0016369, OMIM 268400.

Allele frequency attached by ClinVar (database versions not stated): TOPMed 0.00002.
gnomAD v4.1: 10 of 1,612,448 alleles (0.00062%); highest among the groups gnomAD compares: Non-Finnish European, 0.00085%; no homozygotes.

Submissions (2):

Labcorp Genetics (formerly Invitae), Labcorp
Classification: Likely pathogenic for Baller-Gerold syndrome. Last evaluated: 2023-08-11. Review status: criteria provided, single submitter. Criteria: Invitae Variant Classification Sherloc (09022015). Collection method: clinical testing. Allele origin: germline.
Comment: In summary, the currently available evidence indicates that the variant is pathogenic, but additional data are needed to prove that conclusively. Therefore, this variant has been classified as Likely Pathogenic. Algorithms developed to predict the effect of sequence changes on RNA splicing suggest that this variant may disrupt the consensus splice site. ClinVar contains an entry for this variant (Variation ID: 864618). This variant has not been reported in the literature in individuals affected with RECQL4-related conditions. This variant is not present in population databases (gnomAD no frequency). This sequence change affects an acceptor splice site in intron 19 of the RECQL4 gene. It is expected to disrupt RNA splicing. Variants that disrupt the donor or acceptor splice site typically lead to a loss of protein function (PMID: 16199547), and loss-of-function variants in RECQL4 are known to be pathogenic (PMID: 12734318, 12952869).

Juno Genomics, Hangzhou Juno Genomics, Inc
Classification: Likely pathogenic for Baller-Gerold syndrome; Rapadilino syndrome; Rothmund-Thomson syndrome type 2. Review status: criteria provided, single submitter. Criteria: ACMG Guidelines, 2015. Collection method: clinical testing. Allele origin: germline.
Comment: Null variant in a gene where loss of function (LOF) is a known mechanism of disease.;Absent from controls (or at extremely low frequency if recessive) in Genome Aggregation Database.

Literature cited by the submitters: PubMed 16199547 (cited by Labcorp Genetics (formerly Invitae), Labcorp); PubMed 12734318 (cited by Labcorp Genetics (formerly Invitae), Labcorp); PubMed 12952869 (cited by Labcorp Genetics (formerly Invitae), Labcorp).